The following is an entry in ClinVar:

NM_001286577.2(C2CD3):c.6406G>A (p.Ala2136Thr)

Gene: C2CD3 (C2 domain containing 3 centriole elongation regulator; minus strand). Cytogenetic location: 11q13.4.
Variant type: single nucleotide variant.
Coding change: c.6406G>A on transcript NM_001286577.2 (MANE Select); coding-DNA position 6406, G replaced by A.
Protein change: p.Ala2136Thr; replaces alanine 2136 with threonine.
Molecular consequence: missense variant.
Genome position (GRCh38, 1-based): chr11:74,033,754, C>T on the plus strand (G>A on the coding strand, the complement: C2CD3 is on the minus strand). VCF-style: chr11-74033754-C-T. GRCh37 (hg19) VCF-style: chr11-73744799-C-T.
Other names: short protein forms A2136T.
Identifiers: ClinVar variation 1978159 (VCV001978159.5), dbSNP rs2496201474, ClinGen allele CA381820420.

ClinVar aggregate classification (germline): Uncertain significance (1 of 4 stars; one submission).

Allele frequency attached by ClinVar (database versions not stated): gnomAD exomes below 0.00001.
gnomAD v4.1: 1 of 1,536,358 alleles (0.000065%); highest among the groups gnomAD compares: Non-Finnish European, 0.000087%; no homozygotes.

Submission:

Labcorp Genetics (formerly Invitae), Labcorp
Classification: Uncertain significance. Last evaluated: 2022-04-28. Review status: criteria provided, single submitter. Criteria: Invitae Variant Classification Sherloc (09022015). Collection method: clinical testing. Allele origin: germline.
Comment: Experimental studies and prediction algorithms are not available or were not evaluated, and the functional significance of this variant is currently unknown. In summary, the available evidence is currently insufficient to determine the role of this variant in disease. Therefore, it has been classified as a Variant of Uncertain Significance. The C2CD3 gene has multiple clinically relevant transcripts. This variant occurs in alternate transcript NM_001286577.1, and corresponds to NM_015531.5:c.*844G>A in the primary transcript. This sequence change replaces alanine, which is neutral and non-polar, with threonine, which is neutral and polar, at codon 2136 of the C2CD3 protein (p.Ala2136Thr). This variant is not present in population databases (gnomAD no frequency). This variant has not been reported in the literature in individuals affected with C2CD3-related conditions.